The following is an entry in ClinVar:

NM_000135.4(FANCA):c.2904G>A (p.Ser968=)

Gene: FANCA (FA complementation group A; minus strand). Cytogenetic location: 16q24.3.
Variant type: single nucleotide variant.
Coding change: c.2904G>A on transcript NM_000135.4 (MANE Select); coding-DNA position 2904, G replaced by A.
Protein change: p.Ser968=; no amino-acid change (serine 968 retained).
Molecular consequence: synonymous variant.
Genome position (GRCh38, 1-based): chr16:89,758,654, C>T on the plus strand (G>A on the coding strand, the complement: FANCA is on the minus strand). VCF-style: chr16-89758654-C-T. GRCh37 (hg19) VCF-style: chr16-89825062-C-T.
Other names: c.2904G>A (LRG_495t1, NM_000135.3); c.2904G>A, p.Ser968= (NM_001286167.3).
Identifiers: ClinVar variation 581911 (VCV000581911.9), dbSNP rs568354015, ClinGen allele CA8251442.

ClinVar aggregate classification (germline): Conflicting classifications of pathogenicity. Review status: criteria provided, conflicting classifications (1 of 4 stars). 4 submissions from 4 submitters: Uncertain significance (1); Likely benign (2). 1 of the submissions does not count toward it. Last evaluated 2024-11-23.

Conditions:
Fanconi anemia (FA). Also called: Fanconi's anemia. Identifiers: Orphanet 84, MedGen C0015625, MeSH D005199, MONDO:0019391.
Fanconi anemia complementation group A (FANCA). Also called: Fanconi anemia, group A; FANCA-Related Fanconi Anemia. Identifiers: Orphanet 84, MedGen C3469521, MONDO:0009215, OMIM 227650.
Inborn genetic diseases. Identifiers: MedGen C0950123, MeSH D030342.

Allele frequency attached by ClinVar (database versions not stated): 1000 Genomes Project 30x 0.00016; 1000 Genomes Project 0.00020.
gnomAD v4.1: 10 of 1,614,044 alleles (0.00062%); highest among the groups gnomAD compares: South Asian, 0.0077%; no homozygotes.

Submissions (4):

Ambry Genetics
Classification: Likely benign for Inborn genetic diseases. Last evaluated: 2024-11-23. Review status: criteria provided, single submitter. Criteria: Ambry Variant Classification Scheme 2023. Collection method: clinical testing. Allele origin: germline.

Labcorp Genetics (formerly Invitae), Labcorp
Classification: Likely benign for Fanconi anemia. Last evaluated: 2024-11-04. Review status: criteria provided, single submitter. Criteria: Invitae Variant Classification Sherloc (09022015). Collection method: clinical testing. Allele origin: germline.

Quest Diagnostics Nichols Institute San Juan Capistrano
Classification: Uncertain significance. Last evaluated: 2022-09-09. Review status: criteria provided, single submitter. Criteria: Quest Diagnostics criteria. Collection method: clinical testing. Allele origin: unknown.
Comment: To the best of our knowledge, the variant has not been reported in the published literature. It also has not been reported in large, multi-ethnic general populations. Analysis of this variant using software algorithms for the prediction of the effect of nucleotide changes on splicing yielded predictions that this variant does not affect FANCA mRNA splicing . Based on the available information, we are unable to determine the clinical significance of this variant.

Natera, Inc.
Classification: Uncertain significance for Fanconi anemia, group A. Last evaluated: 2020-01-17. Review status: no assertion criteria provided. Collection method: clinical testing. Allele origin: germline. Not counted in ClinVar's aggregate classification.